The following is an entry in ClinVar:

ClinVar aggregate classification (germline): Uncertain significance (1 of 4 stars; one submission).

Submission:

GeneDx
Classification: Uncertain significance. Last evaluated: 2016-08-16. Review status: criteria provided, single submitter. Criteria: GeneDx Variant Classification (06012015). Collection method: clinical testing. Allele origin: germline. Affected: yes.
Comment: This variant is denoted STK11 c.1271_1272delTCinsAG at the cDNA level and p.Ile424Lys (I424K) at the protein level. The normal sequence, with the bases that are deleted in braces and inserted in brackets, is AAGA[TC][AG]CGCC. This in-frame deletion and insertion occurs on the same allele (in cis) and results in the missense change of an Isoleucine to a Lysine (ATC>AAG). This variant has not, to our knowledge, been published in the literature as pathogenic or benign. Neither STK11 c.1271_1272delTCinsAG nor STK11 Ile424Lys (by this or an alternate nucleotide change) was observed in approximately 5,400 individuals of European and African American ancestry in the NHLBI Exome Sequencing Project, suggesting it is not a common benign variant in these populations. Since Isoleucine and Lysine share similar properties, this is considered a conservative amino acid substitution. STK11 Ile424Lys occurs at a position that is not conserved and is not located in a known functional domain (Hearle 2006). In silico analyses are inconsistent regarding the effect this variant may have on protein structure and function. Based on currently available information, we consider STK11 Ile424Lys to be a variant of uncertain significance.

NM_000455.5(STK11):c.1271_1272delinsAG (p.Ile424Lys)

Gene: STK11 (serine/threonine kinase 11; plus strand). Cytogenetic location: 19p13.3.
Variant type: Indel.
Coding change: c.1271_1272delinsAG on transcript NM_000455.5 (MANE Select); coding-DNA positions 1271 to 1272, TC replaced by AG.
Protein change: p.Ile424Lys; replaces isoleucine 424 with lysine.
Molecular consequence: missense variant.
Genome position (GRCh38, 1-based): chr19:1,226,616-1,226,617, TC replaced by AG. VCF-style: chr19-1226616-TC-AG. GRCh37 (hg19) VCF-style: chr19-1226615-TC-AG.
Other names: c.1271_1272delTCinsAG (NM_000455.4); short protein forms I424K.
Identifiers: ClinVar variation 422018 (VCV000422018.2), dbSNP rs1064795504, ClinGen allele CA16620760.
Genomic context (GRCh38, chr19:1,226,616, plus strand): 5'-CCAGGGCGGAGGGCCGGGCCCCCAACCCTGCCCGCAAGGCCTGCTCCGCCAGCAGCAAGA[TC>AG]CGCCGGCTGTCGGCCTGCAAGCAGCAGTGAGGCTGGCCGCCTGCAGGTGGGGCGCGGCGG-3'
Protein context (NP_000446.1, residues 414-433): ARKACSASSK[Ile424Lys]RRLSACKQQ